The following is an entry in ClinVar:

NM_001372044.2(SHANK3):c.1188G>A (p.Gln396=)

Gene: SHANK3 (SH3 and multiple ankyrin repeat domains 3; plus strand). Cytogenetic location: 22q13.33.
Variant type: single nucleotide variant.
Coding change: c.1188G>A on transcript NM_001372044.2 (MANE Select); coding-DNA position 1188, G replaced by A.
Protein change: p.Gln396=; no amino-acid change (glutamine 396 retained).
Molecular consequence: synonymous variant.
Genome position (GRCh38, 1-based): chr22:50,683,417, G>A. VCF-style: chr22-50683417-G-A. GRCh37 (hg19) VCF-style: chr22-51121845-G-A.
Identifiers: ClinVar variation 5040653 (VCV005040653.1).

ClinVar aggregate classification (germline): Uncertain significance (1 of 4 stars; one submission).

Submission:

CeGaT Center for Human Genetics Tuebingen
Classification: Uncertain significance. Last evaluated: 2026-08-01. Review status: criteria provided, single submitter. Criteria: CeGaT Center For Human Genetics Tuebingen Variant Classification Criteria Version 2. Collection method: clinical testing. Allele origin: germline. Affected: yes. Observed: 1 variant allele.
Comment: SHANK3: PM2:Supporting, PP3